The following is an entry in ClinVar:

NM_005235.3(ERBB4):c.2079+6G>A

Gene: ERBB4 (erb-b2 receptor tyrosine kinase 4; minus strand). Cytogenetic location: 2q34.
Variant type: single nucleotide variant.
Coding change: c.2079+6G>A on transcript NM_005235.3 (MANE Select); 6 bases into the intron after coding-DNA position 2079, G replaced by A.
Molecular consequence: intron variant.
Genome position (GRCh38, 1-based): chr2:211,630,456, C>T on the plus strand (G>A on the coding strand, the complement: ERBB4 is on the minus strand). VCF-style: chr2-211630456-C-T. GRCh37 (hg19) VCF-style: chr2-212495181-C-T.
Other names: c.2079+6G>A (NM_001042599.2); c.2049+6G>A (NM_001439006.1, NM_001439005.1).
Identifiers: ClinVar variation 1900452 (VCV001900452.5), dbSNP rs375049485, ClinGen allele CA2087876.

ClinVar aggregate classification (germline): Uncertain significance (1 of 4 stars; one submission).

Allele frequency attached by ClinVar (database versions not stated): ExAC 0.00002; gnomAD 0.00003; TOPMed 0.00004; ESP Exome Variant Server 0.00008.
gnomAD v4.1: 47 of 1,612,858 alleles (0.0029%); highest among the groups gnomAD compares: Non-Finnish European, 0.0031%; no homozygotes.

Submission:

Labcorp Genetics (formerly Invitae), Labcorp
Classification: Uncertain significance. Last evaluated: 2026-01-24. Review status: criteria provided, single submitter. Criteria: Invitae Variant Classification Sherloc (09022015). Collection method: clinical testing. Allele origin: germline.
Comment: This sequence change falls in intron 17 of the ERBB4 gene. It does not directly change the encoded amino acid sequence of the ERBB4 protein. It affects a nucleotide within the consensus splice site. This variant is present in population databases (rs375049485, gnomAD 0.01%). This variant has not been reported in the literature in individuals affected with ERBB4-related conditions. ClinVar contains an entry for this variant (Variation ID: 1900452). Variants that disrupt the consensus splice site are a relatively common cause of aberrant splicing (PMID: 17576681, 9536098). Algorithms developed to predict the effect of sequence changes on RNA splicing suggest that this variant is not likely to affect RNA splicing. In summary, the available evidence is currently insufficient to determine the role of this variant in disease. Therefore, it has been classified as a Variant of Uncertain Significance.

Literature cited by the submitters: PubMed 17576681; PubMed 9536098.